The following is an entry in ClinVar:

NM_001365536.1(SCN9A):c.1820G>T (p.Arg607Met)

Genes: SCN1A-AS1 (SCN1A and SCN9A antisense RNA 1; plus strand), SCN9A (sodium voltage-gated channel alpha subunit 9; minus strand). Cytogenetic location: 2q24.3.
Variant type: single nucleotide variant.
Coding change: c.1820G>T on transcript NM_001365536.1 (MANE Select); coding-DNA position 1820, G replaced by T.
Protein change: p.Arg607Met; replaces arginine 607 with methionine.
Molecular consequence: missense variant.
Genome position (GRCh38, 1-based): chr2:166,284,607, C>A on the plus strand (G>T on the coding strand, the complement: SCN9A is on the minus strand). VCF-style: chr2-166284607-C-A. GRCh37 (hg19) VCF-style: chr2-167141117-C-A.
Other names: c.1820G>T, p.Arg607Met (NM_002977.4); short protein forms R607M.
Identifiers: ClinVar variation 644181 (VCV000644181.1), dbSNP rs373097296, ClinGen allele CA59799481.

ClinVar aggregate classification (germline): Uncertain significance (1 of 4 stars; one submission).

Conditions:
Generalized epilepsy with febrile seizures plus, type 7 (GEFSP7). Also called: GEFS+, TYPE 7. Identifiers: Orphanet 36387, MedGen C2751778, MONDO:0013470, OMIM 613863.
Neuropathy, hereditary sensory and autonomic, type 2A (HSAN2A). Also called: HSAN IIA; ACROOSTEOLYSIS, GIACCAI TYPE; ACROOSTEOLYSIS, NEUROGENIC; MORVAN DISEASE; NEUROPATHY, CONGENITAL SENSORY; NEUROPATHY, HEREDITARY SENSORY RADICULAR, AUTOSOMAL RECESSIVE. Identifiers: Orphanet 970, MedGen C2752089, MONDO:0024309, OMIM 201300.

gnomAD v4.1: 1 of 1,614,028 alleles (0.000062%); no homozygotes.

Submission:

Labcorp Genetics (formerly Invitae), Labcorp
Classification: Uncertain significance for Hereditary sensory and autonomic neuropathy type IIA; Generalized epilepsy with febrile seizures plus, type 7. Last evaluated: 2018-10-09. Review status: criteria provided, single submitter. Criteria: Invitae Variant Classification Sherloc (09022015). Collection method: clinical testing. Allele origin: germline.
Comment: This sequence change replaces arginine with methionine at codon 607 of the SCN9A protein (p.Arg607Met). The arginine residue is highly conserved and there is a moderate physicochemical difference between arginine and methionine. This variant is not present in population databases (ExAC no frequency). This variant has not been reported in the literature in individuals with SCN9A-related disease. Algorithms developed to predict the effect of missense changes on protein structure and function are either unavailable or do not agree on the potential impact of this missense change (SIFT: "Deleterious"; PolyPhen-2: "Benign"; Align-GVGD: "Class C0"). In summary, the available evidence is currently insufficient to determine the role of this variant in disease. Therefore, it has been classified as a Variant of Uncertain Significance.